The following is an entry in ClinVar:

ClinVar aggregate classification (germline): Pathogenic (1 of 4 stars; one submission).

Conditions:
Charcot-Marie-Tooth disease type 4. Also called: Charcot-Marie-Tooth, Type 4; Charcot-Marie-Tooth disease, type IV. Identifiers: Orphanet 64749, MedGen C4082197, MONDO:0018995.

Submission:

Labcorp Genetics (formerly Invitae), Labcorp
Classification: Pathogenic for Charcot-Marie-Tooth disease type 4. Last evaluated: 2023-06-04. Review status: criteria provided, single submitter. Criteria: Invitae Variant Classification Sherloc (09022015). Collection method: clinical testing. Allele origin: germline.
Comment: For these reasons, this variant has been classified as Pathogenic. This premature translational stop signal has been observed in individual(s) with Charcot-Marie-Tooth disease (PMID: 31634715). This variant is not present in population databases (gnomAD no frequency). This sequence change creates a premature translational stop signal (p.Tyr970*) in the SH3TC2 gene. It is expected to result in an absent or disrupted protein product. Loss-of-function variants in SH3TC2 are known to be pathogenic (PMID: 20220177, 27068304).

Literature cited by the submitters: PubMed 31634715; PubMed 20220177; PubMed 27068304.

NM_024577.4(SH3TC2):c.2910C>A (p.Tyr970Ter)

Gene: SH3TC2 (SH3 domain and tetratricopeptide repeats 2; minus strand). Cytogenetic location: 5q32.
Variant type: single nucleotide variant.
Coding change: c.2910C>A on transcript NM_024577.4 (MANE Select); coding-DNA position 2910, C replaced by A.
Protein change: p.Tyr970Ter; replaces tyrosine 970 with a stop codon.
Molecular consequence: nonsense.
Genome position (GRCh38, 1-based): chr5:149,026,715, G>T on the plus strand (C>A on the coding strand, the complement: SH3TC2 is on the minus strand). VCF-style: chr5-149026715-G-T. GRCh37 (hg19) VCF-style: chr5-148406278-G-T.
Other names: short protein forms Y970*.
Identifiers: ClinVar variation 2741471 (VCV002741471.3), dbSNP rs141091803, ClinGen allele CA361665348.
Genomic context (GRCh38, chr5:149,026,715, plus strand): 5'-CAGGGCCAGCCAGTGCTCATGGTAGGTGATGCATGCCTCAGGGTTTGGGGACACAGAGCT[G>T]TAGAAATGGCAGAGGGATTTGGTGGCCTGAAGCTGACCTGAACACAAAGCAGGGACATGA-3'